The following is an entry in ClinVar:

NM_001128205.2(SULF1):c.1745A>G (p.Lys582Arg)

Gene: SULF1 (sulfatase 1; plus strand). Cytogenetic location: 8q13.3.
Variant type: single nucleotide variant.
Coding change: c.1745A>G on transcript NM_001128205.2 (MANE Select); coding-DNA position 1745, A replaced by G.
Protein change: p.Lys582Arg; replaces lysine 582 with arginine.
Molecular consequence: missense variant. On other transcripts: 5 prime UTR variant (1), non-coding transcript variant (7).
Genome position (GRCh38, 1-based): chr8:69,624,092, A>G. VCF-style: chr8-69624092-A-G. GRCh37 (hg19) VCF-style: chr8-70536327-A-G.
Other names: c.1145A>G, p.Lys382Arg (NM_001412844.1, NM_001412845.1); c.-47A>G (NM_001412846.1); c.1745A>G, p.Lys582Arg (NM_001412850.1, NM_001412851.1, NM_015170.3 and 9 more transcripts); c.1688A>G, p.Lys563Arg (NM_001412837.1, NM_001412836.1); c.1616A>G, p.Lys539Arg (NM_001412838.1, NM_001412839.1, NM_001412840.1 and 1 more transcripts); c.1559A>G, p.Lys520Arg (NM_001412841.1, NM_001412842.1); short protein forms K382R, K539R, K563R, K582R, K520R.
Identifiers: ClinVar variation 3451197 (VCV003451197.3).

ClinVar aggregate classification (germline): Uncertain significance. Review status: criteria provided, multiple submitters, no conflicts (2 of 4 stars). 2 submissions from 2 submitters: Uncertain significance (2). Last evaluated 2026-01-01.

gnomAD v4.1: 109 of 1,614,136 alleles (0.0068%); highest among the groups gnomAD compares: Non-Finnish European, 0.0088%; no homozygotes.

Submissions (2):

Labcorp Genetics (formerly Invitae), Labcorp
Classification: Uncertain significance. Last evaluated: 2026-01-01. Review status: criteria provided, single submitter. Criteria: Invitae Variant Classification Sherloc (09022015). Collection method: clinical testing. Allele origin: germline.
Comment: This sequence change replaces lysine, which is basic and polar, with arginine, which is basic and polar, at codon 582 of the SULF1 protein (p.Lys582Arg). This variant is present in population databases (rs138876060, gnomAD 0.02%). This variant has not been reported in the literature in individuals affected with SULF1-related conditions. ClinVar contains an entry for this variant (Variation ID: 3451197). An algorithm developed to predict the effect of missense changes on protein structure and function outputs the following: PolyPhen-2: "Benign". The arginine amino acid residue is found in multiple mammalian species, which suggests that this missense change does not adversely affect protein function. In summary, the available evidence is currently insufficient to determine the role of this variant in disease. Therefore, it has been classified as a Variant of Uncertain Significance.

Ambry Genetics
Classification: Uncertain significance. Last evaluated: 2024-12-03. Review status: criteria provided, single submitter. Criteria: Ambry Variant Classification Scheme 2023. Collection method: clinical testing. Allele origin: germline.